The following is an entry in ClinVar:

NM_002063.4(GLRA2):c.332A>G (p.Glu111Gly)

Gene: GLRA2 (glycine receptor alpha 2; plus strand). Cytogenetic location: Xp22.2.
Variant type: single nucleotide variant.
Coding change: c.332A>G on transcript NM_002063.4 (MANE Select); coding-DNA position 332, A replaced by G.
Protein change: p.Glu111Gly; replaces glutamic acid 111 with glycine.
Molecular consequence: missense variant.
Genome position (GRCh38, 1-based): chrX:14,581,244, A>G. VCF-style: chrX-14581244-A-G. GRCh37 (hg19) VCF-style: chrX-14599366-A-G.
Other names: c.332A>G, p.Glu111Gly (NM_001118885.2, NM_001118886.2); c.65A>G, p.Glu22Gly (NM_001171942.2); short protein forms E111G, E22G.
Identifiers: ClinVar variation 5037535 (VCV005037535.1).

ClinVar aggregate classification (germline): Uncertain significance (1 of 4 stars; one submission).

Submission:

GeneDx
Classification: Uncertain significance. Last evaluated: 2026-04-21. Review status: criteria provided, single submitter. Criteria: GeneDx Variant Classification Process June 2021. Collection method: clinical testing. Allele origin: germline.
Comment: Not observed at significant frequency in large population cohorts (gnomAD); In silico analysis supports that this missense variant has a deleterious effect on protein structure/function; Has not been previously published as pathogenic or benign to our knowledge